The following is an entry in ClinVar:

NM_006031.6(PCNT):c.54+6C>T

Gene: PCNT (pericentrin; plus strand). Cytogenetic location: 21q22.3.
Variant type: single nucleotide variant.
Coding change: c.54+6C>T on transcript NM_006031.6 (MANE Select); 6 bases into the intron after coding-DNA position 54, C replaced by T.
Molecular consequence: intron variant.
Genome position (GRCh38, 1-based): chr21:46,324,288, C>T. VCF-style: chr21-46324288-C-T. GRCh37 (hg19) VCF-style: chr21-47744202-C-T.
Identifiers: ClinVar variation 138618 (VCV000138618.20), dbSNP rs80017051, ClinGen allele CA173029.

ClinVar aggregate classification (germline): Benign. Review status: criteria provided, multiple submitters, no conflicts (2 of 4 stars). 8 submissions from 8 submitters: Benign (6). 2 of the submissions do not count toward it. Last evaluated 2026-02-02.

Conditions:
Microcephalic osteodysplastic primordial dwarfism type II (MOPD2). Also called: Microcephalic osteodysplastic primordial dwarfism with tooth abnormalities; MOPD II; OSTEODYSPLASTIC PRIMORDIAL DWARFISM, TYPE II. Identifiers: Orphanet 2637, MedGen C0432246, MONDO:0008872, OMIM 210720.

Allele frequency attached by ClinVar (database versions not stated): 1000 Genomes Project 30x 0.01780; 1000 Genomes Project 0.01837; TOPMed 0.03753; gnomAD 0.04328 and 0.04471; gnomAD exomes 0.04430; ESP Exome Variant Server 0.04634; ExAC 0.05645.
gnomAD v4.1: 88,858 of 1,605,538 alleles (5.5%); highest among the groups gnomAD compares: Non-Finnish European, 6.4%; 2,873 homozygotes.

Submissions (8):

Labcorp Genetics (formerly Invitae), Labcorp
Classification: Benign. Last evaluated: 2026-02-02. Review status: criteria provided, single submitter. Criteria: Invitae Variant Classification Sherloc (09022015). Collection method: clinical testing. Allele origin: germline.

Blueprint Genetics
Classification: Benign. Last evaluated: 2024-11-28. Review status: criteria provided, single submitter. Criteria: ACMG Guidelines, 2015. Collection method: clinical testing. Allele origin: germline.

Illumina Laboratory Services, Illumina
Classification: Benign for Microcephalic osteodysplastic primordial dwarfism type II. Last evaluated: 2018-01-13. Review status: criteria provided, single submitter. Criteria: ICSL Variant Classification Criteria 13 December 2019. Collection method: clinical testing. Allele origin: germline.
Comment: This variant was observed in the ICSL laboratory as part of a predisposition screen in an ostensibly healthy population. It had not been previously curated by ICSL or reported in the Human Gene Mutation Database (HGMD: prior to June 1st, 2018), and was therefore a candidate for classification through an automated scoring system. Utilizing variant allele frequency, disease prevalence and penetrance estimates, and inheritance mode, an automated score was calculated to assess if this variant is too frequent to cause the disease. Based on the score and internal cut-off values, a variant classified as benign is not then subjected to further curation. The score for this variant resulted in a classification of benign for this disease.

GeneDx
Classification: Benign. Last evaluated: 2014-03-31. Review status: criteria provided, single submitter. Criteria: GeneDx Variant Classification (06012015). Collection method: clinical testing. Allele origin: germline. Affected: yes.
Comment: This variant is considered likely benign or benign based on one or more of the following criteria: it is a conservative change, it occurs at a poorly conserved position in the protein, it is predicted to be benign by multiple in silico algorithms, and/or has population frequency not consistent with disease.

Genetic Services Laboratory, University of Chicago
Classification: Benign. Last evaluated: 2013-02-08. Review status: criteria provided, single submitter. Criteria: ACMG Guidelines, 2007. Collection method: clinical testing. Allele origin: germline. Inheritance: Autosomal recessive inheritance.

Breakthrough Genomics
Classification: Benign. Review status: criteria provided, single submitter. Criteria: ACMG Guidelines, 2015. Collection method: not provided. Allele origin: germline. Inheritance: Autosomal recessive inheritance. Affected: yes.

Clinical Genetics DNA and cytogenetics Diagnostics Lab, Erasmus MC, Erasmus Medical Center
Classification: Benign. Review status: no assertion criteria provided. Collection method: clinical testing. Allele origin: germline. Affected: yes. Study: VKGL Data-share Consensus. Not counted in ClinVar's aggregate classification.

Laboratory of Diagnostic Genome Analysis, Leiden University Medical Center (LUMC)
Classification: Likely benign. Review status: no assertion criteria provided. Collection method: clinical testing. Allele origin: germline. Affected: yes. Study: VKGL Data-share Consensus. Not counted in ClinVar's aggregate classification.